The following is an entry in ClinVar:

ClinVar aggregate classification (germline): Uncertain significance (1 of 4 stars; one submission).

Conditions:
Hereditary cancer-predisposing syndrome. Also called: Tumor predisposition; Neoplastic Syndromes, Hereditary; Hereditary neoplastic syndrome; Hereditary Cancer Syndrome. Identifiers: Orphanet 140162, MedGen C0027672, MeSH D009386, MONDO:0015356.

Submission:

Color Diagnostics, LLC DBA Color Health
Classification: Uncertain significance for Hereditary cancer-predisposing syndrome. Last evaluated: 2023-12-04. Review status: criteria provided, single submitter. Criteria: ACMG Guidelines, 2015. Collection method: clinical testing. Allele origin: germline.
Comment: This missense variant replaces valine with leucine at codon 20 of the SMAD4 protein. Computational prediction is inconclusive regarding the impact of this variant on protein structure and function (internally defined REVEL score threshold 0.5 < inconclusive < 0.7, PMID: 27666373). To our knowledge, functional studies have not been reported for this variant. This variant has not been reported in individuals affected with SMAD4-related disorders in the literature. This variant has not been identified in the general population by the Genome Aggregation Database (gnomAD). The available evidence is insufficient to determine the role of this variant in disease conclusively. Therefore, this variant is classified as a Variant of Uncertain Significance.

NM_005359.6(SMAD4):c.58G>T (p.Val20Leu)

Gene: SMAD4 (SMAD family member 4; plus strand). Cytogenetic location: 18q21.2.
Variant type: single nucleotide variant.
Coding change: c.58G>T on transcript NM_005359.6 (MANE Select); coding-DNA position 58, G replaced by T.
Protein change: p.Val20Leu; replaces valine 20 with leucine.
Molecular consequence: missense variant.
Genome position (GRCh38, 1-based): chr18:51,047,104, G>T. VCF-style: chr18-51047104-G-T. GRCh37 (hg19) VCF-style: chr18-48573474-G-T.
Other names: short protein forms V20L.
Identifiers: ClinVar variation 631102 (VCV000631102.5), dbSNP rs1568202971, ClinGen allele CA402457426.